The following is an entry in ClinVar:

ClinVar aggregate classification (germline): Uncertain significance (1 of 4 stars; one submission).

Conditions:
Gastrointestinal stromal tumor. Also called: Gastrointestinal stromal tumor, somatic; Gastrointestinal stroma tumor. Identifiers: Orphanet 44890, MedGen C0238198, MeSH D046152, MONDO:0011719, OMIM 606764, HP:0100723.
Pheochromocytoma/paraganglioma syndrome 3. Also called: GLOMUS TUMORS, FAMILIAL, 3; SDHC-Related Hereditary Paraganglioma-Pheochromocytoma Syndrome (Paragangliomas 3); Paragangliomas 3; SDHC-Related Hereditary Paraganglioma-Pheochromocytoma Syndrome. Identifiers: Orphanet 29072, MedGen C1854336, MONDO:0011544, OMIM 605373.

Submission:

Labcorp Genetics (formerly Invitae), Labcorp
Classification: Uncertain significance for Pheochromocytoma/paraganglioma syndrome 3; Gastrointestinal stromal tumor. Last evaluated: 2020-05-25. Review status: criteria provided, single submitter. Criteria: Invitae Variant Classification Sherloc (09022015). Collection method: clinical testing. Allele origin: germline.
Comment: This sequence change replaces asparagine with serine at codon 26 of the SDHC protein (p.Asn26Ser). The asparagine residue is moderately conserved and there is a small physicochemical difference between asparagine and serine. In summary, the available evidence is currently insufficient to determine the role of this variant in disease. Therefore, it has been classified as a Variant of Uncertain Significance. Algorithms developed to predict the effect of sequence changes on RNA splicing suggest that this variant may create or strengthen a splice site, but this prediction has not been confirmed by published transcriptional studies. Algorithms developed to predict the effect of missense changes on protein structure and function (SIFT, PolyPhen-2, Align-GVGD) all suggest that this variant is likely to be tolerated, but these predictions have not been confirmed by published functional studies and their clinical significance is uncertain. This variant has not been reported in the literature in individuals with SDHC-related conditions. This variant is not present in population databases (ExAC no frequency).

NM_003001.5(SDHC):c.77A>G (p.Asn26Ser)

Gene: SDHC (succinate dehydrogenase complex subunit C; plus strand). Cytogenetic location: 1q23.3.
Variant type: single nucleotide variant.
Coding change: c.77A>G on transcript NM_003001.5 (MANE Select); coding-DNA position 77, A replaced by G.
Protein change: p.Asn26Ser; replaces asparagine 26 with serine.
Molecular consequence: missense variant. On other transcripts: 5 prime UTR variant (2), non-coding transcript variant (1), intron variant (4).
Genome position (GRCh38, 1-based): chr1:161,323,670, A>G. VCF-style: chr1-161323670-A-G. GRCh37 (hg19) VCF-style: chr1-161293460-A-G.
Other names: c.77A>G, p.Asn26Ser (NM_001035511.3, NM_001035512.3, NM_001278172.3 and 2 more transcripts); c.-35A>G (NM_001407119.1); c.-153A>G (NM_001407120.1); c.21-4726A>G (NM_001407116.1, NM_001407121.1, NM_001407117.1); c.20+9245A>G (NM_001035513.3); short protein forms N26S.
Identifiers: ClinVar variation 1035883 (VCV001035883.10), dbSNP rs1670928456, ClinGen allele CA343359655.